The following is an entry in ClinVar:

NM_000540.3(RYR1):c.573C>G (p.Asp191Glu)

Gene: RYR1 (ryanodine receptor 1; plus strand). Cytogenetic location: 19q13.2.
Variant type: single nucleotide variant.
Coding change: c.573C>G on transcript NM_000540.3 (MANE Select); coding-DNA position 573, C replaced by G.
Protein change: p.Asp191Glu; replaces aspartic acid 191 with glutamic acid.
Molecular consequence: missense variant.
Genome position (GRCh38, 1-based): chr19:38,444,619, C>G. VCF-style: chr19-38444619-C-G. GRCh37 (hg19) VCF-style: chr19-38935259-C-G.
Other names: c.573C>G, p.Asp191Glu (NM_001042723.2); short protein forms D191E.
Identifiers: ClinVar variation 2633628 (VCV002633628.1), dbSNP rs892054, ClinGen allele CA405678350.

ClinVar aggregate classification (germline): Uncertain significance (1 of 4 stars; one submission).

Conditions:
RYR1-related disorder. Also called: RYR1-related condition; RYR1-related disorders. Identifiers: MedGen CN239331.

Submission:

PreventionGenetics, part of Exact Sciences
Classification: Uncertain significance for RYR1-related condition. Last evaluated: 2023-05-11. Review status: criteria provided, single submitter. Criteria: ACMG Guidelines, 2015. Collection method: clinical testing. Allele origin: germline.
Comment: The RYR1 c.573C>G variant is predicted to result in the amino acid substitution p.Asp191Glu. To our knowledge, this variant has not been reported in the literature or in a large population database, indicating this variant is rare. At this time, the clinical significance of this variant is uncertain due to the absence of conclusive functional and genetic evidence.